The following is an entry in ClinVar:

ClinVar aggregate classification (germline): Uncertain significance. Review status: criteria provided, multiple submitters, no conflicts (2 of 4 stars). 2 submissions from 2 submitters: Uncertain significance (2). Last evaluated 2026-01-23.

Conditions:
Inborn genetic diseases. Identifiers: MedGen C0950123, MeSH D030342.

gnomAD v4.1: 7 of 1,605,842 alleles (0.00044%); highest among the groups gnomAD compares: East Asian, 0.0022%; no homozygotes.

Submissions (2):

Labcorp Genetics (formerly Invitae), Labcorp
Classification: Uncertain significance. Last evaluated: 2026-01-23. Review status: criteria provided, single submitter. Criteria: Invitae Variant Classification Sherloc (09022015). Collection method: clinical testing. Allele origin: germline.
Comment: This sequence change replaces isoleucine, which is neutral and non-polar, with valine, which is neutral and non-polar, at codon 141 of the ATR protein (p.Ile141Val). This variant is not present in population databases (gnomAD no frequency). This variant has not been reported in the literature in individuals affected with ATR-related conditions. ClinVar contains an entry for this variant (Variation ID: 1738807). An algorithm developed to predict the effect of missense changes on protein structure and function (PolyPhen-2) suggests that this variant is likely to be tolerated. In summary, the available evidence is currently insufficient to determine the role of this variant in disease. Therefore, it has been classified as a Variant of Uncertain Significance.

Ambry Genetics
Classification: Uncertain significance for Inborn genetic diseases. Last evaluated: 2022-02-05. Review status: criteria provided, single submitter. Criteria: Ambry Variant Classification Scheme 2023. Collection method: clinical testing. Allele origin: germline.
Comment: The p.I141V variant (also known as c.421A>G), located in coding exon 4 of the ATR gene, results from an A to G substitution at nucleotide position 421. The isoleucine at codon 141 is replaced by valine, an amino acid with highly similar properties. This amino acid position is conserved. In addition, this alteration is predicted to be tolerated by in silico analysis. Since supporting evidence is limited at this time, the clinical significance of this alteration remains unclear.

NM_001184.4(ATR):c.421A>G (p.Ile141Val)

Gene: ATR (ATR checkpoint kinase; minus strand). Cytogenetic location: 3q23.
Variant type: single nucleotide variant.
Coding change: c.421A>G on transcript NM_001184.4 (MANE Select); coding-DNA position 421, A replaced by G.
Protein change: p.Ile141Val; replaces isoleucine 141 with valine.
Molecular consequence: missense variant.
Genome position (GRCh38, 1-based): chr3:142,562,981, T>C on the plus strand (A>G on the coding strand, the complement: ATR is on the minus strand). VCF-style: chr3-142562981-T-C. GRCh37 (hg19) VCF-style: chr3-142281823-T-C.
Other names: c.421A>G, p.Ile141Val (NM_001354579.2); short protein forms I141V.
Identifiers: ClinVar variation 1738807 (VCV001738807.3), dbSNP rs766281121, ClinGen allele CA354827042.